The following is an entry in ClinVar:

NM_001267550.2(TTN):c.97947G>C (p.Lys32649Asn)

Genes: TTN-AS1 (TTN antisense RNA 1; plus strand), TTN (titin; minus strand). Cytogenetic location: 2q31.2.
Variant type: single nucleotide variant.
Coding change: c.97947G>C on transcript NM_001267550.2 (MANE Select); coding-DNA position 97947, G replaced by C.
Protein change: p.Lys32649Asn; replaces lysine 32649 with asparagine.
Molecular consequence: missense variant.
Genome position (GRCh38, 1-based): chr2:178,540,219, C>G on the plus strand (G>C on the coding strand, the complement: TTN is on the minus strand). VCF-style: chr2-178540219-C-G. GRCh37 (hg19) VCF-style: chr2-179404946-C-G.
Other names: c.93024G>C, p.Lys31008Asn (NM_001256850.1); c.70752G>C, p.Lys23584Asn (NM_003319.4); c.90243G>C, p.Lys30081Asn (NM_133378.4); c.71127G>C, p.Lys23709Asn (NM_133432.3); c.71328G>C, p.Lys23776Asn (NM_133437.4); short protein forms K32649N, K30081N, K23709N, K23776N, K23584N, K31008N.
Identifiers: ClinVar variation 404829 (VCV000404829.9), dbSNP rs773776767, ClinGen allele CA1986463.

ClinVar aggregate classification (germline): Conflicting classifications of pathogenicity. Review status: criteria provided, conflicting classifications (1 of 4 stars). 3 submissions from 3 submitters: Uncertain significance (2); Likely benign (1). Last evaluated 2018-03-19.

Conditions:
Dilated cardiomyopathy 1G (CMD1G). Identifiers: Orphanet 154, MedGen C1858763, MONDO:0011400, OMIM 604145.
Autosomal recessive limb-girdle muscular dystrophy type 2J (LGMDR10). Also called: Limb-girdle muscular dystrophy, type 2J; MUSCULAR DYSTROPHY, LIMB-GIRDLE, AUTOSOMAL RECESSIVE 10. Identifiers: Orphanet 140922, MedGen C1837342, MONDO:0012127, OMIM 608807.

Allele frequency attached by ClinVar (database versions not stated): gnomAD exomes below 0.00001 and 0.00002; ExAC 0.00001; gnomAD 0.00001; TOPMed 0.00001.
gnomAD v4.1: 16 of 1,613,628 alleles (0.00099%); highest among the groups gnomAD compares: Non-Finnish European, 0.0013%; no homozygotes.

Submissions (3):

GeneDx
Classification: Likely benign. Last evaluated: 2018-03-19. Review status: criteria provided, single submitter. Criteria: GeneDx Variant Classification (06012015). Collection method: clinical testing. Allele origin: germline. Affected: yes.
Comment: This variant is considered likely benign or benign based on one or more of the following criteria: it is a conservative change, it occurs at a poorly conserved position in the protein, it is predicted to be benign by multiple in silico algorithms, and/or has population frequency not consistent with disease.

Labcorp Genetics (formerly Invitae), Labcorp
Classification: Uncertain significance for Dilated cardiomyopathy 1G; Autosomal recessive limb-girdle muscular dystrophy type 2J. Last evaluated: 2018-01-04. Review status: criteria provided, single submitter. Criteria: Invitae Variant Classification Sherloc (09022015). Collection method: clinical testing. Allele origin: germline.

Eurofins Ntd Llc (ga)
Classification: Uncertain significance. Last evaluated: 2017-08-25. Review status: criteria provided, single submitter. Criteria: EGL Classification Definitions 2015. Collection method: clinical testing. Allele origin: germline. Observed: 1 variant allele, 1 heterozygote.